The following is an entry in ClinVar:

NM_000059.4(BRCA2):c.635_636del (p.Arg212fs)

Gene: BRCA2 (BRCA2 DNA repair associated; plus strand). Cytogenetic location: 13q13.1.
Variant type: Deletion.
Coding change: c.635_636del on transcript NM_000059.4 (MANE Select); coding-DNA positions 635 to 636, 2 bases deleted (GA; older notation c.635_636delGA).
Protein change: p.Arg212fs; shifts the reading frame from arginine 212.
Molecular consequence: frameshift variant.
Genome position (GRCh38, 1-based): chr13:32,329,446-32,329,447, GA deleted; deleting any 2 consecutive bases within chr13:32,329,445-32,329,447 gives the same sequence; the c. name uses the placement nearest the transcript's 3' end. VCF-style (leftmost placement, unchanged base first): chr13-32329444-CAG-C. GRCh37 (hg19) VCF-style: chr13-32903581-CAG-C.
Other names: 862delAG; 863delGA; c.635_636delGA (NM_000059.3).
Identifiers: ClinVar variation 91445 (VCV000091445.41), dbSNP rs80359575, ClinGen allele CA023948.

ClinVar aggregate classification (germline): Pathogenic. Review status: reviewed by expert panel (3 of 4 stars). 23 submissions from 22 submitters: Pathogenic (1). 22 of the submissions do not count toward it. Last evaluated 2016-09-08.

Conditions:
Hereditary breast ovarian cancer syndrome. Also called: Hereditary breast and ovarian cancer syndrome; Hereditary breast and/or ovarian cancer syndrome; Hereditary breast and ovarian cancer; Hereditary breast and ovarian cancer syndrome (HBOC); Breast and ovarian cancer; BRCA1- and BRCA2-Associated Hereditary Breast and Ovarian Cancer. Identifiers: Orphanet 145, MedGen C0677776, MeSH D061325, MONDO:0003582. Disease mechanism: loss of function.
Breast-ovarian cancer, familial, susceptibility to, 2 (BROVCA2). Also called: BRCA2 Hereditary Breast and Ovarian Cancer. Identifiers: Orphanet 145, MedGen C2675520, MONDO:0012933, OMIM 612555. Disease mechanism: loss of function.
Hereditary cancer-predisposing syndrome. Also called: Neoplastic Syndromes, Hereditary; Hereditary Cancer Syndrome; Tumor predisposition; Hereditary neoplastic syndrome. Identifiers: Orphanet 140162, MedGen C0027672, MeSH D009386, MONDO:0015356.
Familial cancer of breast. Also called: Hereditary breast cancer; hereditary breast carcinoma; BREAST CANCER, FAMILIAL. Identifiers: Orphanet 227535, MedGen C0346153, MONDO:0016419, OMIM 114480. Disease mechanism: loss of function.
BRCA2-related disorder. Also called: BRCA2-related condition; BRCA2-related disorders. Identifiers: MedGen CN239275.

Submissions 1 to 13 of 23:

Evidence-based Network for the Interpretation of Germline Mutant Alleles (ENIGMA)
Classification: Pathogenic for Breast-ovarian cancer, familial, susceptibility to, 2. Last evaluated: 2016-09-08. Review status: reviewed by expert panel. Criteria: ENIGMA BRCA1/2 Classification Criteria (2015). Collection method: curation. Allele origin: germline.
Comment: Variant allele predicted to encode a truncated non-functional protein.

Institute of Human Genetics, University of Leipzig Medical Center
Classification: Pathogenic for Familial cancer of breast. Last evaluated: 2026-08-12. Review status: criteria provided, single submitter. Criteria: ACMG Guidelines, 2015. Collection method: clinical testing. Allele origin: maternal. Inheritance: Autosomal dominant inheritance. Affected: yes. Not counted in ClinVar's aggregate classification.
Comment: Criteria applied: PVS1,PM5_STR

Institute of Human Genetics, University of Leipzig Medical Center
Classification: Pathogenic for Breast-ovarian cancer, familial, susceptibility to, 2. Last evaluated: 2026-07-02. Review status: criteria provided, single submitter. Criteria: ACMG Guidelines, 2015. Collection method: clinical testing. Allele origin: unknown. Inheritance: Autosomal dominant inheritance. Affected: yes. Not counted in ClinVar's aggregate classification.
Comment: the same text as in the submission from Institute of Human Genetics, University of Leipzig Medical Center above.

Quest Diagnostics Nichols Institute San Juan Capistrano
Classification: Pathogenic. Last evaluated: 2025-10-30. Review status: criteria provided, single submitter. Criteria: Quest Diagnostics criteria. Collection method: clinical testing. Allele origin: unknown. Not counted in ClinVar's aggregate classification.
Comment: The BRCA2 c.635_636del (p.Arg212Lysfs*2) variant alters the translational reading frame of the BRCA2 mRNA and causes the premature termination of BRCA2 protein synthesis. This variant has been reported in the published literature in multiple individuals and/or families with breast and/or ovarian cancer (PMID: 38709234 (2024). 37850614 (2024), 33471991 (2021), see also LOVD, 29446198 (2018), 31409081 (2019), 29446198 (2018), 28324225 (2017), 24549055 (2014), 11802209 (2002)). This variant has also been reported as a somatic variant in an individual with breast cancer (PMID: 38709234 (2024)). The frequency of this variant in the general population (Genome Aggregation Database) is consistent with pathogenicity. Based on the available information, this variant is classified as pathogenic .

Labcorp Genetics (formerly Invitae), Labcorp
Classification: Pathogenic for Hereditary breast ovarian cancer syndrome. Last evaluated: 2025-08-30. Review status: criteria provided, single submitter. Criteria: Invitae Variant Classification Sherloc (09022015). Collection method: clinical testing. Allele origin: germline. Not counted in ClinVar's aggregate classification.
Comment: This sequence change creates a premature translational stop signal (p.Arg212Lysfs*2) in the BRCA2 gene. It is expected to result in an absent or disrupted protein product. Loss-of-function variants in BRCA2 are known to be pathogenic (PMID: 20104584). This variant is not present in population databases (gnomAD no frequency). This variant has not been reported in the literature in individuals affected with BRCA2-related conditions. This variant is also known as 862delAG, and c.634_635delAG. ClinVar contains an entry for this variant (Variation ID: 91445). For these reasons, this variant has been classified as Pathogenic.

Color Diagnostics, LLC DBA Color Health
Classification: Pathogenic for Hereditary cancer-predisposing syndrome. Last evaluated: 2025-07-21. Review status: criteria provided, single submitter. Criteria: ACMG Guidelines, 2015. Collection method: clinical testing. Allele origin: germline. Not counted in ClinVar's aggregate classification.
Comment: This variant deletes 2 nucleotides in exon 8 of the BRCA2 protein, creating a premature translation stop signal. This variant is expected to result in an absent or non-functional protein product. This variant has been reported in individuals affected with breast or ovarian cancer (PMID: 10550133, 11802209) and has been identified in 13 families among the CIMBA participants (PMID: 29446198). In a large breast cancer case-control study conducted by the BRIDGES consortium, this variant was reported in 3/60466 cases and 0/53461 controls (p-value=0.253) (PMID: 33471991Leiden Open Variation Database DB-ID BRCA2_001437). This variant has not been identified in the general population by the Genome Aggregation Database (gnomAD). Loss of BRCA2 function is a known mechanism of disease. Based on the available evidence, this variant is classified as Pathogenic.

Blueprint Genetics
Classification: Pathogenic for BRCA2-related disorders. Last evaluated: 2024-07-09. Review status: criteria provided, single submitter. Criteria: ACMG Guidelines, 2015. Collection method: clinical testing. Allele origin: germline. Affected: yes. Observed: 1 variant allele. Not counted in ClinVar's aggregate classification.

Ambry Genetics
Classification: Pathogenic for Hereditary cancer-predisposing syndrome. Last evaluated: 2023-11-21. Review status: criteria provided, single submitter. Criteria: Ambry Variant Classification Scheme 2023. Collection method: clinical testing. Allele origin: germline. Not counted in ClinVar's aggregate classification.
Comment: The c.635_636delGA pathogenic mutation, located in coding exon 7 of the BRCA2 gene, results from a deletion of two nucleotides at nucleotide positions 635 to 636, causing a translational frameshift with a predicted alternate stop codon (p.R212Kfs*2). This mutation has been reported in three Czech families suspected to have hereditary breast and/or ovarian cancer (Machackova E et al. Klin Onkol. 2019;32:51-71). In addition to the clinical data presented in the literature, this alteration is expected to result in loss of function by premature protein truncation or nonsense-mediated mRNA decay. As such, this alteration is interpreted as a disease-causing mutation.

Institute of Human Genetics, FAU Erlangen, Friedrich-Alexander-Universität Erlangen-Nürnberg
Classification: Pathogenic. Last evaluated: 2023-08-15. Review status: criteria provided, single submitter. Criteria: Hauer et al. (Genet Med. 2018). Collection method: clinical testing. Allele origin: germline. Inheritance: Unknown mechanism. Affected: yes. Observed: 1 variant allele. Not counted in ClinVar's aggregate classification.
Comment: This variant has been identified by standard clinical testing. Selected ACMG criteria: Pathogenic (I):PP5;PP4;PM2;PVS1

Revvity Omics, Revvity
Classification: Pathogenic. Last evaluated: 2022-02-16. Review status: criteria provided, single submitter. Criteria: ACMG Guidelines, 2015. Collection method: clinical testing. Allele origin: germline. Not counted in ClinVar's aggregate classification.

Baylor Genetics
Classification: Pathogenic for Familial cancer of breast. Last evaluated: 2021-12-20. Review status: criteria provided, single submitter. Criteria: ACMG Guidelines, 2015. Collection method: clinical testing. Allele origin: unknown. Not counted in ClinVar's aggregate classification.

Women's Health and Genetics/Laboratory Corporation of America, LabCorp
Classification: Pathogenic for Hereditary breast ovarian cancer syndrome. Last evaluated: 2021-12-16. Review status: criteria provided, single submitter. Criteria: LabCorp Variant Classification Summary - May 2015. Collection method: clinical testing. Allele origin: germline. Not counted in ClinVar's aggregate classification.
Comment: Variant summary: BRCA2 c.635_636delGA (p.Arg212LysfsX2) results in a premature termination codon, predicted to cause a truncation of the encoded protein or absence of the protein due to nonsense mediated decay, which are commonly known mechanisms for disease. Truncations downstream of this position have been classified as pathogenic by our laboratory. The variant was absent in 244212 control chromosomes. c.635_636delGA has been reported in the literature in multiple individuals affected with Hereditary Breast And Ovarian Cancer Syndrome (e.g. Machackova_2019, Dorling_2021). These data indicate that the variant is very likely to be associated with disease. Ten clinical diagnostic laboratories have submitted clinical-significance assessments for this variant to ClinVar after 2014 without evidence for independent evaluation (pathogenic n=9, VUS n=1). Based on the evidence outlined above, the variant was classified as pathogenic.

Institute for Clinical Genetics, University Hospital TU Dresden, University Hospital TU Dresden
Classification: Pathogenic. Last evaluated: 2021-11-03. Review status: criteria provided, single submitter. Criteria: ACMG Guidelines, 2015. Collection method: clinical testing. Allele origin: germline. Not counted in ClinVar's aggregate classification.